The following is an entry in ClinVar:

NM_024063.3(AFG2B):c.1489_1490del (p.Gln497fs)

Gene: AFG2B (AAA ATPase AFG2B; plus strand). Cytogenetic location: 15q21.1.
Variant type: Microsatellite.
Coding change: c.1489_1490del on transcript NM_024063.3 (MANE Select); coding-DNA positions 1489 to 1490, 2 bases deleted (CA; older notation c.1489_1490delCA).
Protein change: p.Gln497fs; shifts the reading frame from glutamine 497.
Molecular consequence: frameshift variant. On other transcripts: non-coding transcript variant (5).
Genome position (GRCh38, 1-based): chr15:45,414,625-45,414,626, CA deleted; deleting any 2 consecutive bases within chr15:45,414,622-45,414,626 gives the same sequence; the c. name uses the placement nearest the transcript's 3' end. VCF-style (leftmost placement, unchanged base first): chr15-45414621-GAC-G. GRCh37 (hg19) VCF-style: chr15-45706819-GAC-G.
Other names: c.1489_1490del, p.Gln497fs (NM_001323640.2); short protein forms Q497fs.
Identifiers: ClinVar variation 4788723 (VCV004788723.1).

ClinVar aggregate classification (germline): Pathogenic (1 of 4 stars; one submission).

Submission:

Labcorp Genetics (formerly Invitae), Labcorp
Classification: Pathogenic. Last evaluated: 2023-11-03. Review status: criteria provided, single submitter. Criteria: Invitae Variant Classification Sherloc (09022015). Collection method: clinical testing. Allele origin: germline.
Comment: This sequence change creates a premature translational stop signal (p.Gln497Thrfs*14) in the SPATA5L1 gene. It is expected to result in an absent or disrupted protein product. Loss-of-function variants in SPATA5L1 are known to be pathogenic (PMID: 34626583). This variant is present in population databases (rs762274157, gnomAD 0.01%). This variant has not been reported in the literature in individuals affected with SPATA5L1-related conditions. For these reasons, this variant has been classified as Pathogenic.

Literature cited by the submitters: PubMed 34626583.